The following is an entry in ClinVar:

NM_002124.4(HLA-DRB1):c.483C>T (p.Phe161=)

Gene: HLA-DRB1 (major histocompatibility complex, class II, DR beta 1; minus strand). Cytogenetic location: 6p21.32.
Variant type: single nucleotide variant.
Coding change: c.483C>T on transcript NM_002124.4 (MANE Select); coding-DNA position 483, C replaced by T.
Protein change: p.Phe161=; no amino-acid change (phenylalanine 161 retained).
Molecular consequence: synonymous variant.
Genome position (GRCh38, 1-based): chr6:32,581,726, G>A on the plus strand (C>T on the coding strand, the complement: HLA-DRB1 is on the minus strand). VCF-style: chr6-32581726-G-A. GRCh37 (hg19) VCF-style: chr6-32549503-G-A.
Identifiers: ClinVar variation 3067389 (VCV003067389.21), dbSNP rs1561803389, ClinGen allele CA449830872.

ClinVar aggregate classification (germline): Likely benign (1 of 4 stars; one submission).

Submission:

CeGaT Center for Human Genetics Tuebingen
Classification: Likely benign. Last evaluated: 2024-03-01. Review status: criteria provided, single submitter. Criteria: CeGaT Center For Human Genetics Tuebingen Variant Classification Criteria Version 2. Collection method: clinical testing. Allele origin: germline. Affected: yes. Observed: 1 variant allele.
Comment: HLA-DRB1: BP4, BP7